The following is an entry in ClinVar:

ClinVar aggregate classification (germline): Uncertain significance (1 of 4 stars; one submission).

Conditions:
Camptomelic dysplasia (CMPD). Also called: CMPD1/SRA1; Campomelic Dysplasia. Identifiers: Orphanet 140, MedGen C1861922, MONDO:0007251, OMIM 114290.

Submission:

Labcorp Genetics (formerly Invitae), Labcorp
Classification: Uncertain significance for Camptomelic dysplasia. Last evaluated: 2023-08-06. Review status: criteria provided, single submitter. Criteria: Invitae Variant Classification Sherloc (09022015). Collection method: clinical testing. Allele origin: germline.
Comment: This sequence change falls in intron 2 of the SOX9 gene. It does not directly change the encoded amino acid sequence of the SOX9 protein. Information on the frequency of this variant in the gnomAD database is not available, as this variant may be reported differently in the database. This variant has not been reported in the literature in individuals affected with SOX9-related conditions. Experimental studies and prediction algorithms are not available or were not evaluated, and the effect of this variant on mRNA splicing is currently unknown. In summary, the available evidence is currently insufficient to determine the role of this variant in disease. Therefore, it has been classified as a Variant of Uncertain Significance.

NM_000346.4(SOX9):c.685+7_685+8delinsTA

Gene: SOX9 (SRY-box transcription factor 9; plus strand). Cytogenetic location: 17q24.3.
Variant type: Indel.
Coding change: c.685+7_685+8delinsTA on transcript NM_000346.4 (MANE Select); bases 7 to 8 of the intron after coding-DNA position 685, CG replaced by TA.
Molecular consequence: intron variant.
Genome position (GRCh38, 1-based): chr17:72,122,979-72,122,980, CG replaced by TA. VCF-style: chr17-72122979-CG-TA. GRCh37 (hg19) VCF-style: chr17-70119120-CG-TA.
Identifiers: ClinVar variation 2710217 (VCV002710217.3), dbSNP rs2509624842, ClinGen allele CA2697555121.
Genomic context (GRCh38, chr17:72,122,979, plus strand): 5'-CGCCACACTCCTCCTCCGGCATGAGCGAGGTGCACTCCCCCGGCGAGCACTCGGGTGAGT[CG>TA]CCCCTCGACCCCACCGGACAAGCTATCTCCGTCCCGCCTGGCACACCCCCTGCCCTCCGC-3'